The following is an entry in ClinVar:

NM_017617.5(NOTCH1):c.3325+20_3325+21delinsGG

Gene: NOTCH1 (notch receptor 1; minus strand). Cytogenetic location: 9q34.3.
Variant type: Indel.
Coding change: c.3325+20_3325+21delinsGG on transcript NM_017617.5 (MANE Select); bases 20 to 21 of the intron after coding-DNA position 3325, CA replaced by GG.
Molecular consequence: intron variant.
Genome position (GRCh38, 1-based): chr9:136,508,211-136,508,212, TG replaced by CC on the plus strand (CA replaced by GG on the coding strand, the reverse complement: NOTCH1 is on the minus strand). VCF-style: chr9-136508211-TG-CC. GRCh37 (hg19) VCF-style: chr9-139402663-TG-CC.
Identifiers: ClinVar variation 4777780 (VCV004777780.1).

ClinVar aggregate classification (germline): Uncertain significance (1 of 4 stars; one submission).

Conditions:
Adams-Oliver syndrome 5 (AOS5). Identifiers: Orphanet 974, MedGen C4014970, MONDO:0014459, OMIM 616028.

Submission:

Labcorp Genetics (formerly Invitae), Labcorp
Classification: Uncertain significance for Adams-Oliver syndrome 5. Last evaluated: 2025-10-16. Review status: criteria provided, single submitter. Criteria: Invitae Variant Classification Sherloc (09022015). Collection method: clinical testing. Allele origin: germline.
Comment: This sequence change falls in intron 20 of the NOTCH1 gene. It does not directly change the encoded amino acid sequence of the NOTCH1 protein. Information on the frequency of this variant in the gnomAD database is not available, as this variant may be reported differently in the database. This variant has not been reported in the literature in individuals affected with NOTCH1-related conditions. Experimental studies and prediction algorithms are not available or were not evaluated, and the effect of this variant on mRNA splicing is currently unknown. In summary, the available evidence is currently insufficient to determine the role of this variant in disease. Therefore, it has been classified as a Variant of Uncertain Significance.